The following is an entry in ClinVar:

ClinVar aggregate classification (germline): Uncertain significance (1 of 4 stars; one submission).

gnomAD v4.1: 1 of 1,563,398 alleles (0.000064%); highest among the groups gnomAD compares: Non-Finnish European, 0.000086%; no homozygotes.

Submission:

GeneDx
Classification: Uncertain significance. Last evaluated: 2025-06-06. Review status: criteria provided, single submitter. Criteria: GeneDx Variant Classification Process June 2021. Collection method: clinical testing. Allele origin: germline. Affected: yes.
Comment: Not observed at significant frequency in large population cohorts (gnomAD); In silico analysis suggests that this missense variant does not alter protein structure/function; Has not been previously published as pathogenic or benign to our knowledge

NM_001127222.2(CACNA1A):c.2824A>G (p.Ser942Gly)

Gene: CACNA1A (calcium voltage-gated channel subunit alpha1 A; minus strand). Cytogenetic location: 19p13.13.
Variant type: single nucleotide variant.
Coding change: c.2824A>G on transcript NM_001127222.2 (MANE Select); coding-DNA position 2824, A replaced by G.
Protein change: p.Ser942Gly; replaces serine 942 with glycine.
Molecular consequence: missense variant.
Genome position (GRCh38, 1-based): chr19:13,298,809, T>C on the plus strand (A>G on the coding strand, the complement: CACNA1A is on the minus strand). VCF-style: chr19-13298809-T-C. GRCh37 (hg19) VCF-style: chr19-13409623-T-C.
Other names: c.2827A>G, p.Ser943Gly (NM_001174080.2, NM_001127221.2); c.2836A>G, p.Ser946Gly (NM_023035.3, NM_000068.4); short protein forms S942G, S943G, S946G.
Identifiers: ClinVar variation 4537928 (VCV004537928.1).